The following is an entry in ClinVar:

ClinVar aggregate classification (germline): Uncertain significance (1 of 4 stars; one submission).

Conditions:
Hepatic methionine adenosyltransferase deficiency. Also called: Isolated Persistent Hypermethioninemia; MAT I/III DEFICIENCY; Methionine adenosyltransferase deficiency; Deficiency of methionine adenosyltransferase. Identifiers: Orphanet 168598, MedGen C0268621, MeSH C564683, MONDO:0009607, OMIM 250850.

Allele frequency attached by ClinVar (database versions not stated): gnomAD exomes below 0.00001; TOPMed below 0.00001.
gnomAD v4.1: 1 of 1,611,586 alleles (0.000062%); highest among the groups gnomAD compares: Admixed American, 0.0017%; no homozygotes.

Submission:

Labcorp Genetics (formerly Invitae), Labcorp
Classification: Uncertain significance for Hepatic methionine adenosyltransferase deficiency. Last evaluated: 2024-02-17. Review status: criteria provided, single submitter. Criteria: Invitae Variant Classification Sherloc (09022015). Collection method: clinical testing. Allele origin: germline.
Comment: This sequence change replaces valine, which is neutral and non-polar, with alanine, which is neutral and non-polar, at codon 394 of the MAT1A protein (p.Val394Ala). This variant is present in population databases (no rsID available, gnomAD 0.003%). This variant has not been reported in the literature in individuals affected with MAT1A-related conditions. ClinVar contains an entry for this variant (Variation ID: 1897642). An algorithm developed to predict the effect of missense changes on protein structure and function (PolyPhen-2) suggests that this variant is likely to be tolerated. In summary, the available evidence is currently insufficient to determine the role of this variant in disease. Therefore, it has been classified as a Variant of Uncertain Significance.

NM_000429.3(MAT1A):c.1181T>C (p.Val394Ala)

Genes: MAT1A (methionine adenosyltransferase 1A; minus strand), LOC126860980 (CDK7 strongly-dependent group 2 enhancer GRCh37_chr10:82032694-82033893; plus strand). Cytogenetic location: 10q22.3.
Variant type: single nucleotide variant.
Coding change: c.1181T>C on transcript NM_000429.3 (MANE Select); coding-DNA position 1181, T replaced by C.
Protein change: p.Val394Ala; replaces valine 394 with alanine.
Molecular consequence: missense variant.
Genome position (GRCh38, 1-based): chr10:80,273,788, A>G on the plus strand (T>C on the coding strand, the complement: MAT1A is on the minus strand). VCF-style: chr10-80273788-A-G. GRCh37 (hg19) VCF-style: chr10-82033544-A-G.
Other names: short protein forms V394A.
Identifiers: ClinVar variation 1897642 (VCV001897642.5), dbSNP rs1357585578, ClinGen allele CA377360018.